The following is an entry in ClinVar:

NM_003850.2(SUCLA2):c.-12T>A

Gene: SUCLA2 (succinate-CoA ligase ADP-forming subunit beta; minus strand). Cytogenetic location: 13q14.2.
Variant type: single nucleotide variant.
Coding change: c.-12T>A on transcript NM_003850.2; 12 bases upstream of the start codon, T replaced by A.
Genome position (GRCh38, 1-based): chr13:48,001,281, A>T on the plus strand (T>A on the coding strand, the complement: SUCLA2 is on the minus strand). VCF-style: chr13-48001281-A-T. GRCh37 (hg19) VCF-style: chr13-48575417-A-T.
Identifiers: ClinVar variation 385025 (VCV000385025.3), dbSNP rs753085253, ClinGen allele CA16606723.

ClinVar aggregate classification (germline): Likely benign (1 of 4 stars; one submission).

Submission:

GeneDx
Classification: Likely benign. Last evaluated: 2016-04-06. Review status: criteria provided, single submitter. Criteria: GeneDx Variant Classification (06012015). Collection method: clinical testing. Allele origin: germline. Affected: yes.
Comment: This variant is considered likely benign or benign based on one or more of the following criteria: it is a conservative change, it occurs at a poorly conserved position in the protein, it is predicted to be benign by multiple in silico algorithms, and/or has population frequency not consistent with disease.